The following is an entry in ClinVar:

ClinVar aggregate classification (germline): Benign (1 of 4 stars; one submission).

Allele frequency attached by ClinVar (database versions not stated): 1000 Genomes Project 30x 0.22845; 1000 Genomes Project 0.23143; ExAC 0.29794; TOPMed 0.31609; gnomAD 0.32448; gnomAD exomes 0.34608.
gnomAD v4.1: 154,849 of 455,762 alleles (34%); highest among the groups gnomAD compares: Non-Finnish European, 39%; 28,641 homozygotes.

Submission:

Unidad de Genómica Garrahan, Hospital de Pediatría Garrahan
Classification: Benign. Last evaluated: 2024-01-24. Review status: criteria provided, single submitter. Criteria: ACMG Guidelines, 2015. Collection method: clinical testing. Allele origin: germline. Affected: no. Observed: 64 variant alleles.
Comment: This variant is classified as Benign based on local population frequency. This variant was detected in 67% of patients studied by a panel of primary immunodeficiencies. Number of patients: 64. Only high quality variants are reported.

NM_001370466.1(NOD2):c.566-550C>T

Gene: NOD2 (nucleotide binding oligomerization domain containing 2; plus strand). Cytogenetic location: 16q12.1.
Variant type: single nucleotide variant.
Coding change: c.566-550C>T on transcript NM_001370466.1 (MANE Select); 550 bases into the intron before coding-DNA position 566, C replaced by T.
Molecular consequence: intron variant.
Genome position (GRCh38, 1-based): chr16:50,710,008, C>T. VCF-style: chr16-50710008-C-T. GRCh37 (hg19) VCF-style: chr16-50743919-C-T.
Other names: c.647-550C>T (NM_022162.3); c.566-550C>T (NM_001293557.2).
Identifiers: ClinVar variation 2688030 (VCV002688030.2), dbSNP rs34133110, ClinGen allele CA8051356.